The following is an entry in ClinVar:

NM_020987.5(ANK3):c.12420del (p.Lys4140fs)

Gene: ANK3 (ankyrin 3; minus strand). Cytogenetic location: 10q21.2.
Variant type: Deletion.
Coding change: c.12420del on transcript NM_020987.5 (MANE Select); coding-DNA position 12420, one base deleted (A; older notation c.12420delA).
Protein change: p.Lys4140fs; shifts the reading frame from lysine 4140.
Molecular consequence: frameshift variant.
Genome position (GRCh38, 1-based): chr10:60,064,188, T deleted on the plus strand (A on the coding strand, the reverse complement: ANK3 is on the minus strand); the first of 7 consecutive T bases (chr10:60,064,188-60,064,194); deleting any one gives the same sequence. VCF-style (leftmost placement, unchanged base first): chr10-60064187-AT-A. GRCh37 (hg19) VCF-style: chr10-61823945-AT-A.
Other names: c.1983del, p.Lys661fs (NM_001149.4); c.4563del, p.Lys1521fs (NM_001204403.2); c.4584del, p.Lys1528fs (NM_001204404.2); c.4581del, p.Lys1527fs (NM_001320874.2); short protein forms K1521fs, K661fs, K1528fs, K1527fs, K4140fs.
Identifiers: ClinVar variation 5008053 (VCV005008053.1).

ClinVar aggregate classification (germline): Uncertain significance (1 of 4 stars; one submission).

Submission:

GeneDx
Classification: Uncertain significance. Last evaluated: 2026-02-28. Review status: criteria provided, single submitter. Criteria: GeneDx Variant Classification Process June 2021. Collection method: clinical testing. Allele origin: germline.
Comment: Frameshift variant predicted to result in protein truncation or nonsense mediated decay in a gene for which loss of function is a known mechanism of disease; Has not been previously published as pathogenic or benign to our knowledge